The following is an entry in ClinVar:

NM_015215.4(CAMTA1):c.766C>T (p.Gln256Ter)

Gene: CAMTA1 (calmodulin binding transcription activator 1; plus strand). Cytogenetic location: 1p36.23.
Variant type: single nucleotide variant.
Coding change: c.766C>T on transcript NM_015215.4 (MANE Select); coding-DNA position 766, C replaced by T.
Protein change: p.Gln256Ter; replaces glutamine 256 with a stop codon.
Molecular consequence: nonsense.
Genome position (GRCh38, 1-based): chr1:7,661,827, C>T. VCF-style: chr1-7661827-C-T. GRCh37 (hg19) VCF-style: chr1-7721887-C-T.
Other names: c.676C>T, p.Gln226Ter (NM_001349608.2, NM_001349612.2); c.766C>T, p.Gln256Ter (NM_001349609.2, NM_001349610.2); short protein forms Q256*, Q226*.
Identifiers: ClinVar variation 521355 (VCV000521355.5), dbSNP rs1553238271, ClinGen allele CA338120667.

ClinVar aggregate classification (germline): Pathogenic (1 of 4 stars; one submission).

Conditions:
Inborn genetic diseases. Identifiers: MedGen C0950123, MeSH D030342.

Submission:

Ambry Genetics
Classification: Pathogenic for Inborn genetic diseases. Last evaluated: 2021-03-04. Review status: criteria provided, single submitter. Criteria: Ambry Variant Classification Scheme 2023. Collection method: clinical testing. Allele origin: germline.
Comment: The c.766C>T (p.Q256*) alteration, located in exon 8 (coding exon 8) of the CAMTA1 gene, consists of a C to T substitution at nucleotide position 766. This changes the amino acid from a glutamine (Q) to a stop codon at amino acid position 256. This alteration is expected to result in loss of function by premature protein truncation or nonsense-mediated mRNA decay. Based on data from the Genome Aggregation Database (gnomAD), the CAMTA1 c.766C>T alteration was not observed, with coverage at this position. Based on the available evidence, this alteration is classified as pathogenic.